The following is an entry in ClinVar:

ClinVar aggregate classification (germline): Uncertain significance (1 of 4 stars; one submission).

Conditions:
Martsolf syndrome (MARTS). Also called: Congenital cataract with intellectual disability and hypogonadotropic hypogonadism syndrome. Identifiers: Orphanet 1387, MedGen C0796037, MONDO:0023910.
Warburg micro syndrome 2 (WARBM2). Also called: MICRO SYNDROME 2. Identifiers: Orphanet 2510, MedGen C3280214, MONDO:0013641, OMIM 614225.

Allele frequency attached by ClinVar (database versions not stated): TOPMed 0.00002.
gnomAD v4.1: 20 of 1,613,958 alleles (0.0012%); highest among the groups gnomAD compares: Admixed American, 0.0017%; no homozygotes.

Submission:

Labcorp Genetics (formerly Invitae), Labcorp
Classification: Uncertain significance for Martsolf syndrome; Warburg micro syndrome 2. Last evaluated: 2022-07-19. Review status: criteria provided, single submitter. Criteria: Invitae Variant Classification Sherloc (09022015). Collection method: clinical testing. Allele origin: germline.
Comment: In summary, the available evidence is currently insufficient to determine the role of this variant in disease. Therefore, it has been classified as a Variant of Uncertain Significance. Variants that disrupt the consensus splice site are a relatively common cause of aberrant splicing (PMID: 17576681, 9536098). Algorithms developed to predict the effect of sequence changes on RNA splicing suggest that this variant is not likely to affect RNA splicing. ClinVar contains an entry for this variant (Variation ID: 643354). This variant has not been reported in the literature in individuals affected with RAB3GAP2-related conditions. This variant is present in population databases (no rsID available, gnomAD 0.003%). This sequence change falls in intron 15 of the RAB3GAP2 gene. It does not directly change the encoded amino acid sequence of the RAB3GAP2 protein. It affects a nucleotide within the consensus splice site.

Literature cited by the submitters: PubMed 17576681; PubMed 9536098.

NM_012414.4(RAB3GAP2):c.1631+6G>A

Gene: RAB3GAP2 (RAB3 GTPase activating non-catalytic protein subunit 2; minus strand). Cytogenetic location: 1q41.
Variant type: single nucleotide variant.
Coding change: c.1631+6G>A on transcript NM_012414.4 (MANE Select); 6 bases into the intron after coding-DNA position 1631, G replaced by A.
Molecular consequence: intron variant.
Genome position (GRCh38, 1-based): chr1:220,190,371, C>T on the plus strand (G>A on the coding strand, the complement: RAB3GAP2 is on the minus strand). VCF-style: chr1-220190371-C-T. GRCh37 (hg19) VCF-style: chr1-220363713-C-T.
Identifiers: ClinVar variation 643354 (VCV000643354.8), dbSNP rs780059285, ClinGen allele CA529067636.